The following is an entry in ClinVar:

NM_002049.4(GATA1):c.231_232dup (p.Tyr78fs)

Gene: GATA1 (GATA binding protein 1; plus strand). Cytogenetic location: Xp11.23.
Variant type: Microsatellite.
Coding change: c.231_232dup on transcript NM_002049.4 (MANE Select); coding-DNA positions 231 to 232, 2 bases duplicated (GT; older notation c.231_232dupGT).
Protein change: p.Tyr78fs; shifts the reading frame from tyrosine 78.
Molecular consequence: frameshift variant.
Genome position (GRCh38, 1-based): chrX:48,791,854-48,791,855, GT duplicated; duplicating any 2 consecutive bases within chrX:48,791,852-48,791,855 gives the same sequence; the c. name uses the placement nearest the transcript's 3' end. VCF-style (leftmost placement, unchanged base first): chrX-48791851-G-GGT. GRCh37 (hg19) VCF-style: chrX-48650258-G-GGT.
Other names: short protein forms Y78fs.
Identifiers: ClinVar variation 1068556 (VCV001068556.8), dbSNP rs2147306077, ClinGen allele CA645617212.

ClinVar aggregate classification (germline): Pathogenic. Review status: criteria provided, multiple submitters, no conflicts (2 of 4 stars). 2 submissions from 2 submitters: Pathogenic (2). Last evaluated 2024-09-02.

Conditions:
Diamond-Blackfan anemia. Also called: Blackfan Diamond syndrome; Aregenerative anemia chronic congenital; Red cell aplasia, pure hereditary; Congenital hypoplastic anemia; Aase syndrome. Identifiers: Orphanet 124, MedGen C1260899, MeSH D029503, MONDO:0015253, HP:0004810.
GATA binding protein 1 related thrombocytopenia with dyserythropoiesis. Also called: GATA1-Related Cytopenia; GATA1-Related X-Linked Cytopenia. Identifiers: MedGen C1845837, MONDO:0100089.
Down syndrome (DS). Also called: T21. Identifiers: Orphanet 870, MedGen C0013080, MONDO:0008608, OMIM 190685. Disease mechanism: Meiosis non dynjunction. Inheritance: Chromosomal.

Submissions (2):

Labcorp Genetics (formerly Invitae), Labcorp
Classification: Pathogenic for GATA binding protein 1 related thrombocytopenia with dyserythropoiesis; Diamond-Blackfan anemia. Last evaluated: 2024-09-02. Review status: criteria provided, single submitter. Criteria: Invitae Variant Classification Sherloc (09022015). Collection method: clinical testing. Allele origin: germline.
Comment: This sequence change creates a premature translational stop signal (p.Tyr78Cysfs*60) in the GATA1 gene. It is expected to result in an absent or disrupted protein product. Loss-of-function variants in GATA1 are known to be pathogenic (PMID: 16783379, 22706301, 23704091, 24453067). This variant is not present in population databases (gnomAD no frequency). This variant has not been reported in the literature in individuals affected with GATA1-related conditions. For these reasons, this variant has been classified as Pathogenic.

Mendelics
Classification: Pathogenic for Down syndrome. Last evaluated: 2022-05-04. Review status: criteria provided, single submitter. Criteria: Mendelics Assertion Criteria 2019. Collection method: clinical testing. Allele origin: germline.

Literature cited by the submitters: PubMed 16783379 (cited by Labcorp Genetics (formerly Invitae), Labcorp); PubMed 22706301 (cited by Labcorp Genetics (formerly Invitae), Labcorp); PubMed 23704091 (cited by Labcorp Genetics (formerly Invitae), Labcorp); PubMed 24453067 (cited by Labcorp Genetics (formerly Invitae), Labcorp).